The following is an entry in ClinVar:

ClinVar aggregate classification (germline): Likely pathogenic (1 of 4 stars; one submission).

Conditions:
TMPRSS6-related disorder. Also called: TMPRSS6-related condition.

Submission:

PreventionGenetics, part of Exact Sciences
Classification: Likely pathogenic for TMPRSS6-related condition. Last evaluated: 2022-09-26. Review status: criteria provided, single submitter. Criteria: ACMG Guidelines, 2015. Collection method: clinical testing. Allele origin: germline.
Comment: The TMPRSS6 c.936G>A variant is predicted to result in premature protein termination (p.Trp312*). To our knowledge, this variant has not been reported in the literature or in a large population database, indicating this variant is rare. Nonsense variants in TMPRSS6 are expected to be pathogenic. This variant is interpreted as likely pathogenic.

NM_001374504.1(TMPRSS6):c.909G>A (p.Trp303Ter)

Gene: TMPRSS6 (transmembrane serine protease 6; minus strand). Cytogenetic location: 22q12.3.
Variant type: single nucleotide variant.
Coding change: c.909G>A on transcript NM_001374504.1 (MANE Select); coding-DNA position 909, G replaced by A.
Protein change: p.Trp303Ter; replaces tryptophan 303 with a stop codon.
Molecular consequence: nonsense.
Genome position (GRCh38, 1-based): chr22:37,086,347, C>T on the plus strand (G>A on the coding strand, the complement: TMPRSS6 is on the minus strand). VCF-style: chr22-37086347-C-T. GRCh37 (hg19) VCF-style: chr22-37482387-C-T.
Other names: c.909G>A, p.Trp303Ter (NM_001289000.2, NM_001289001.2, NM_153609.4); short protein forms W303*.
Identifiers: ClinVar variation 2637038 (VCV002637038.1), dbSNP rs2517768538, ClinGen allele CA411425644.